The following is an entry in ClinVar:

NM_000384.3(APOB):c.8047G>C (p.Glu2683Gln)

Gene: APOB (apolipoprotein B; minus strand). Cytogenetic location: 2p24.1.
Variant type: single nucleotide variant.
Coding change: c.8047G>C on transcript NM_000384.3 (MANE Select); coding-DNA position 8047, G replaced by C.
Protein change: p.Glu2683Gln; replaces glutamic acid 2683 with glutamine.
Molecular consequence: missense variant.
Genome position (GRCh38, 1-based): chr2:21,008,821, C>G on the plus strand (G>C on the coding strand, the complement: APOB is on the minus strand). VCF-style: chr2-21008821-C-G. GRCh37 (hg19) VCF-style: chr2-21231693-C-G.
Other names: short protein forms E2683Q.
Identifiers: ClinVar variation 922587 (VCV000922587.8), dbSNP rs373846203, ClinGen allele CA065068.

ClinVar aggregate classification (germline): Uncertain significance. Review status: criteria provided, multiple submitters, no conflicts (2 of 4 stars). 2 submissions from 2 submitters: Uncertain significance (2). Last evaluated 2025-05-28.

Conditions:
Familial hypobetalipoproteinemia 1. Also called: Hypobetalipoproteinemia, normotriglyceridemic; Acanthocytosis with hypobetalipoproteinemia; APOB-Related Familial Hypobetalipoproteinemia. Identifiers: MedGen C4551990, MONDO:0014252, OMIM 615558.
Hypercholesterolemia, autosomal dominant, type B (FHCL2). Also called: Familial Hypercholesterolemia Type B; HYPERCHOLESTEROLEMIA, FAMILIAL, DUE TO LIGAND-DEFECTIVE APOLIPOPROTEIN B; Familial hypercholesterolemia 2; APOB-Related Familial Hypercholesterolemia, Autosomal Dominant; APOLIPOPROTEIN B-100, FAMILIAL DEFECTIVE; APOLIPOPROTEIN B-100, FAMILIAL LIGAND-DEFECTIVE. Identifiers: MedGen C1704417, MONDO:0007751, OMIM 144010.
Cardiovascular phenotype. Identifiers: MedGen CN230736.

Allele frequency attached by ClinVar (database versions not stated): ExAC 0.00001; gnomAD exomes 0.00002 and below 0.00001; gnomAD 0.00005 and 0.00006; TOPMed 0.00005; ESP Exome Variant Server 0.00008.
gnomAD v4.1: 40 of 1,613,938 alleles (0.0025%); highest among the groups gnomAD compares: Non-Finnish European, 0.0033%; no homozygotes.

Submissions (2):

Labcorp Genetics (formerly Invitae), Labcorp
Classification: Uncertain significance for Familial hypobetalipoproteinemia 1; Hypercholesterolemia, autosomal dominant, type B. Last evaluated: 2025-05-28. Review status: criteria provided, single submitter. Criteria: Invitae Variant Classification Sherloc (09022015). Collection method: clinical testing. Allele origin: germline.
Comment: This sequence change replaces glutamic acid, which is acidic and polar, with glutamine, which is neutral and polar, at codon 2683 of the APOB protein (p.Glu2683Gln). This variant is not present in population databases (gnomAD no frequency). This variant has not been reported in the literature in individuals affected with APOB-related conditions. ClinVar contains an entry for this variant (Variation ID: 922587). Invitae Evidence Modeling of protein sequence and biophysical properties (such as structural, functional, and spatial information, amino acid conservation, physicochemical variation, residue mobility, and thermodynamic stability) indicates that this missense variant is not expected to disrupt APOB protein function with a negative predictive value of 95%. In summary, the available evidence is currently insufficient to determine the role of this variant in disease. Therefore, it has been classified as a Variant of Uncertain Significance.

Ambry Genetics
Classification: Uncertain significance for Cardiovascular phenotype. Last evaluated: 2024-08-14. Review status: criteria provided, single submitter. Criteria: Ambry Variant Classification Scheme 2023. Collection method: clinical testing. Allele origin: germline.